The following is an entry in ClinVar:

ClinVar aggregate classification (germline): Likely pathogenic. Review status: reviewed by expert panel (3 of 4 stars). 5 submissions from 5 submitters: Likely pathogenic (1). 4 of the submissions do not count toward it. Last evaluated 2023-06-27.

Conditions:
Rare genetic deafness. Identifiers: Orphanet 96210, MedGen C5680250.
Usher syndrome. Also called: Usher's syndrome; Usher Syndromes. Identifiers: Orphanet 886, MedGen CN469326, MeSH D052245, MONDO:0019501. Disease mechanism: loss of function.
Pituitary adenoma 5, multiple types. Identifiers: MedGen C4539685, MONDO:0054601, OMIM 617540.
Usher syndrome type 1 (USH1). Also called: RETINITIS PIGMENTOSA AND CONGENITAL DEAFNESS. Identifiers: Orphanet 231169, Orphanet 886, MedGen C1568247, MONDO:0010168, OMIM 276900.
Autosomal recessive nonsyndromic hearing loss 12. Also called: DEAFNESS, AUTOSOMAL RECESSIVE 12. Identifiers: Orphanet 90636, MedGen C1832394, MONDO:0011067, OMIM 601386.

Allele frequency attached by ClinVar (database versions not stated): TOPMed 0.00001.

Submissions (5):

ClinGen Hearing Loss Variant Curation Expert Panel
Classification: Likely pathogenic for Usher syndrome. Last evaluated: 2023-06-27. Review status: reviewed by expert panel. Criteria: Clingen Hl Acmg Specifications Cdh23 Coch Gjb2 Kcnq4 Myo6 Myo7a Slc26a4 Tecta Ush2a V2. Collection method: curation. Allele origin: germline. Inheritance: Autosomal recessive inheritance.
Comment: The c.380A>G (NM_022124.6(CDH23):c.380A>G (p.Asp127Gly)) variant in CDH23 is a missense variant predicted to cause substitution of aspartate by glycine at amino acid 127. This variant is absent from gnomAD v2.1.1 (PM2_Supporting). The computational predictor REVEL gives a score of 0.796 which is above the threshold of 0.7, evidence that correlates with impact to CDH23 function (PP3). For this individual, they were compound heterozygous for the variant and a pathogenic variant (NM_022124.6(CDH23):c.1949dup (p.Leu651fs) (SCV000271345.2) ) and this individual was confirmed in trans by family testing (1.0 point, PM3; LMM internal data). This variant was re-reviewed on 1.18.2023 and because no additional evidence is available, professional judgment was used to retain this variant as likely pathogenic for autosomal recessive Usher syndrome based on the ACMG/AMP criteria applied, as specified by the ClinGen Hearing Loss VCEP. In summary, this variant is classified as likely pathogenic for autosomal recessive Usher Syndrome based on the ACMG/AMP criteria applied, as specified by the ClinGen Hearing Loss VCEP: PM2_supporting, PP3, PM3, PP4 (ClinGen Hearing Loss VCEP Specifications Version 2; 6/27/2022).

Natera, Inc.
Classification: Likely pathogenic for Usher syndrome type 1. Last evaluated: 2025-04-14. Review status: criteria provided, single submitter. Criteria: Natera Variant Classification Schema (03/2026). Collection method: clinical testing. Allele origin: germline. Not counted in ClinVar's aggregate classification.
Comment: The c.380A>G variant in CDH23 is a missense variant predicted to cause substitution of aspartic acid to glycine at amino acid 127. This variant is rare in the general population with a frequency below the threshold expected for the associated phenotype(s). This variant has been observed in one or more individuals affected with the associated recessive disease, as either homozygous or compound heterozygous with a second variant (PMID: 34593925). This variant has been identified in one or more affected individuals with a phenotype highly consistent with the associated gene (PMID: 34593925). Computational prediction algorithms indicate this variant is likely to affect gene or protein function. Given the available evidence, this variant is classified as Likely Pathogenic.

Baylor Genetics
Classification: Likely pathogenic for Pituitary adenoma 5, multiple types. Last evaluated: 2024-02-04. Review status: criteria provided, single submitter. Criteria: ACMG Guidelines, 2015. Collection method: clinical testing. Allele origin: unknown. Not counted in ClinVar's aggregate classification.

King Laboratory, University of Washington
Classification: Likely pathogenic for Autosomal recessive nonsyndromic hearing loss 12. Last evaluated: 2023-02-28. Review status: criteria provided, single submitter. Criteria: Li et al. (Genet Med. 2022). Collection method: research. Allele origin: unknown. Affected: yes. Not counted in ClinVar's aggregate classification.
Comment: This variant occurred in compound heterozygosity with a CDH23 missense variant in two siblings with bilateral sensorineural hearing loss of onset <18 years, in a study of pediatric hearing loss conducted by the King Laboratory (Carlson RJ et al. JAMA-OtoHNS 2023). This variant is a missense at a completely conserved site in a cadherin domain of the CDH23 protein and is predicted to be damaging by multiple in-silico tools. As of January 2023, this variant has been reported previously in an individual with hearing loss and is currently classified as likely pathogenic on ClinVar and is not found on gnomAD. Based on co-segregation with the phenotype in the family, consistently predicted functional effect, previous classification as likely pathogenic, and goodness of fit of genotype to phenotype, we conclude that this variant is likely pathogenic.

Laboratory for Molecular Medicine, Mass General Brigham Personalized Medicine
Classification: Likely pathogenic for Rare genetic deafness. Last evaluated: 2016-05-23. Review status: criteria provided, single submitter. Criteria: LMM Criteria. Collection method: clinical testing. Allele origin: germline. Inheritance: Autosomal recessive inheritance. Observed: 2 variant alleles. Not counted in ClinVar's aggregate classification.
Comment: It has not been identifie d in large population studies. Computational prediction tools and conservation a nalysis suggest that this variant may impact the protein, though this informatio n is not predictive enough to determine pathogenicity. The presence of this vari ant in trans with a pathogenic variant in an individual with Usher syndrome incr eases the likelihood that the p.Asp127Gly variant is pathogenic. In summary, alt hough additional studies are required to fully establish its clinical significan ce, this variant is likely pathogenic.

Literature cited by the submitters: PubMed 34593925 (cited by Natera, Inc.); PubMed 36633841 (cited by King Laboratory, University of Washington).

NM_022124.6(CDH23):c.380A>G (p.Asp127Gly)

Genes: CDH23 (cadherin related 23; plus strand), CDH23-AS1 (CDH23 antisense RNA 1; minus strand). Cytogenetic location: 10q22.1.
Variant type: single nucleotide variant.
Coding change: c.380A>G on transcript NM_022124.6 (MANE Select); coding-DNA position 380, A replaced by G.
Protein change: p.Asp127Gly; replaces aspartic acid 127 with glycine.
Molecular consequence: missense variant.
Genome position (GRCh38, 1-based): chr10:71,511,163, A>G. VCF-style: chr10-71511163-A-G. GRCh37 (hg19) VCF-style: chr10-73270920-A-G.
Other names: NM_022124.5(CDH23):c.380A>G(p.Asp127Gly); NM_022124.5(CDH23):c.380A>G; NM_022124.6(CDH23):c.380A>G; c.380A>G, p.Asp127Gly (NM_001171930.2, NM_001171931.2, NM_001171932.2 and 1 more transcripts); short protein forms D127G.
Identifiers: ClinVar variation 228491 (VCV000228491.10), dbSNP rs876657754, ClinGen allele CA10576804.